The following is an entry in ClinVar:

ClinVar aggregate classification (germline): Uncertain significance (1 of 4 stars; one submission).

Allele frequency attached by ClinVar (database versions not stated): gnomAD 0.00001.

Submission:

Labcorp Genetics (formerly Invitae), Labcorp
Classification: Uncertain significance. Last evaluated: 2023-12-27. Review status: criteria provided, single submitter. Criteria: Invitae Variant Classification Sherloc (09022015). Collection method: clinical testing. Allele origin: germline.
Comment: This sequence change replaces glutamine, which is neutral and polar, with histidine, which is basic and polar, at codon 136 of the GRIN2D protein (p.Gln136His). This variant is not present in population databases (gnomAD no frequency). This variant has not been reported in the literature in individuals affected with GRIN2D-related conditions. Advanced modeling of protein sequence and biophysical properties (such as structural, functional, and spatial information, amino acid conservation, physicochemical variation, residue mobility, and thermodynamic stability) performed at Invitae indicates that this missense variant is not expected to disrupt GRIN2D protein function with a negative predictive value of 95%. In summary, the available evidence is currently insufficient to determine the role of this variant in disease. Therefore, it has been classified as a Variant of Uncertain Significance.

NM_000836.4(GRIN2D):c.408G>C (p.Gln136His)

Genes: GRIN2D (glutamate ionotropic receptor NMDA type subunit 2D; plus strand), LOC130064856 (ATAC-STARR-seq lymphoblastoid silent region 10880; plus strand). Cytogenetic location: 19q13.33.
Variant type: single nucleotide variant.
Coding change: c.408G>C on transcript NM_000836.4 (MANE Select); coding-DNA position 408, G replaced by C.
Protein change: p.Gln136His; replaces glutamine 136 with histidine.
Molecular consequence: missense variant.
Genome position (GRCh38, 1-based): chr19:48,398,800, G>C. VCF-style: chr19-48398800-G-C. GRCh37 (hg19) VCF-style: chr19-48902057-G-C.
Other names: short protein forms Q136H.
Identifiers: ClinVar variation 2705911 (VCV002705911.3), dbSNP rs1439621275, ClinGen allele CA406689163.